The following is an entry in ClinVar:

ClinVar aggregate classification (germline): Likely benign (1 of 4 stars; one submission).

gnomAD v4.1: 630 of 1,612,286 alleles (0.039%); highest among the groups gnomAD compares: African/African-American, 0.65%; no homozygotes.

Submission:

CeGaT Center for Human Genetics Tuebingen
Classification: Likely benign. Last evaluated: 2024-10-01. Review status: criteria provided, single submitter. Criteria: CeGaT Center For Human Genetics Tuebingen Variant Classification Criteria Version 2. Collection method: clinical testing. Allele origin: germline. Affected: yes. Observed: 1 variant allele.
Comment: PAXIP1: BP4, BP7

NM_007349.4(PAXIP1):c.1977C>T (p.Ser659=)

Gene: PAXIP1 (PAX interacting protein 1; minus strand). Cytogenetic location: 7q36.2.
Variant type: single nucleotide variant.
Coding change: c.1977C>T on transcript NM_007349.4 (MANE Select); coding-DNA position 1977, C replaced by T.
Protein change: p.Ser659=; no amino-acid change (serine 659 retained).
Molecular consequence: synonymous variant.
Genome position (GRCh38, 1-based): chr7:154,963,683, G>A on the plus strand (C>T on the coding strand, the complement: PAXIP1 is on the minus strand). VCF-style: chr7-154963683-G-A. GRCh37 (hg19) VCF-style: chr7-154755393-G-A.
Identifiers: ClinVar variation 3388449 (VCV003388449.14).